The following is an entry in ClinVar:

NM_001040108.2(MLH3):c.3087A>C (p.Arg1029Ser)

Gene: MLH3 (mutL homolog 3; minus strand). Cytogenetic location: 14q24.3.
Variant type: single nucleotide variant.
Coding change: c.3087A>C on transcript NM_001040108.2 (MANE Select); coding-DNA position 3087, A replaced by C.
Protein change: p.Arg1029Ser; replaces arginine 1029 with serine.
Molecular consequence: missense variant.
Genome position (GRCh38, 1-based): chr14:75,046,569, T>G on the plus strand (A>C on the coding strand, the complement: MLH3 is on the minus strand). VCF-style: chr14-75046569-T-G. GRCh37 (hg19) VCF-style: chr14-75513272-T-G.
Other names: c.3087A>C, p.Arg1029Ser (NM_014381.3); short protein forms R1029S.
Identifiers: ClinVar variation 1727407 (VCV001727407.3), dbSNP rs1555344899, ClinGen allele CA390436428.

ClinVar aggregate classification (germline): Uncertain significance (1 of 4 stars; one submission).

Allele frequency attached by ClinVar (database versions not stated): gnomAD exomes below 0.00001; gnomAD 0.00001.
gnomAD v4.1: 3 of 1,614,080 alleles (0.00019%); highest among the groups gnomAD compares: African/African-American, 0.0027%; no homozygotes.

Submission:

Ambry Genetics
Classification: Uncertain significance. Last evaluated: 2024-06-30. Review status: criteria provided, single submitter. Criteria: Ambry Variant Classification Scheme 2023. Collection method: clinical testing. Allele origin: germline.
Comment: The p.R1029S variant (also known as c.3087A>C), located in coding exon 1 of the MLH3 gene, results from an A to C substitution at nucleotide position 3087. The arginine at codon 1029 is replaced by serine, an amino acid with dissimilar properties. This amino acid position is conserved. In addition, this alteration is predicted to be tolerated by in silico analysis. Since supporting evidence is limited at this time, the clinical significance of this alteration remains unclear.